The following is an entry in ClinVar:

NM_000179.3(MSH6):c.2648A>G (p.Lys883Arg)

Gene: MSH6 (mutS homolog 6; plus strand). Cytogenetic location: 2p16.3.
Variant type: single nucleotide variant.
Coding change: c.2648A>G on transcript NM_000179.3 (MANE Select); coding-DNA position 2648, A replaced by G.
Protein change: p.Lys883Arg; replaces lysine 883 with arginine.
Molecular consequence: missense variant. On other transcripts: non-coding transcript variant (5), intron variant (3).
Genome position (GRCh38, 1-based): chr2:47,800,631, A>G. VCF-style: chr2-47800631-A-G. GRCh37 (hg19) VCF-style: chr2-48027770-A-G.
Other names: c.1742A>G, p.Lys581Arg (NM_001406812.1, NM_001406814.1, NM_001406815.1 and 6 more transcripts); c.2654A>G, p.Lys885Arg (NM_001406813.1); c.2351A>G, p.Lys784Arg (NM_001406818.1, NM_001406819.1, NM_001406820.1 and 10 more transcripts); c.2480A>G, p.Lys827Arg (NM_001406826.1); c.2258A>G, p.Lys753Arg (NM_001281492.2); c.2744A>G, p.Lys915Arg (NM_001406795.1, NM_001406802.1); c.2648A>G, p.Lys883Arg (NM_001406796.1, NM_001406798.1, NM_001406800.1 and 2 more transcripts); c.2123A>G, p.Lys708Arg (NM_001406799.1, NM_001406806.1, NM_001406807.1); and 4 more; short protein forms K753R, K857R, K708R, K885R, K915R, K581R, K784R, K827R.
Identifiers: ClinVar variation 2703026 (VCV002703026.3), dbSNP rs764816440, ClinGen allele CA346755148.

ClinVar aggregate classification (germline): Uncertain significance (1 of 4 stars; one submission).

Conditions:
Hereditary nonpolyposis colorectal neoplasms. Identifiers: MedGen C0009405, MeSH D003123.

gnomAD v4.1: 1 of 1,614,196 alleles (0.000062%); highest among the groups gnomAD compares: South Asian, 0.0011%; no homozygotes.

Submission:

Labcorp Genetics (formerly Invitae), Labcorp
Classification: Uncertain significance for Hereditary nonpolyposis colorectal neoplasms. Last evaluated: 2023-12-14. Review status: criteria provided, single submitter. Criteria: Invitae Variant Classification Sherloc (09022015). Collection method: clinical testing. Allele origin: germline.
Comment: This sequence change replaces lysine, which is basic and polar, with arginine, which is basic and polar, at codon 883 of the MSH6 protein (p.Lys883Arg). This variant is not present in population databases (gnomAD no frequency). This variant has not been reported in the literature in individuals affected with MSH6-related conditions. Advanced modeling of protein sequence and biophysical properties (such as structural, functional, and spatial information, amino acid conservation, physicochemical variation, residue mobility, and thermodynamic stability) performed at Invitae indicates that this missense variant is not expected to disrupt MSH6 protein function with a negative predictive value of 95%. In summary, the available evidence is currently insufficient to determine the role of this variant in disease. Therefore, it has been classified as a Variant of Uncertain Significance.